The following is an entry in ClinVar:

ClinVar aggregate classification (germline): Likely benign. Review status: criteria provided, multiple submitters, no conflicts (2 of 4 stars). 4 submissions from 4 submitters: Likely benign (4). Last evaluated 2026-01-01.

Conditions:
Familial sleep-related hypermotor epilepsy. Also called: Autosomal Dominant Sleep-Related Hypermotor (Hyperkinetic) Epilepsy. Identifiers: Orphanet 98784, MedGen C3696898, MONDO:0000030.

Allele frequency attached by ClinVar (database versions not stated): ExAC 0.00005.

Submissions (4):

CeGaT Center for Human Genetics Tuebingen
Classification: Likely benign. Last evaluated: 2026-01-01. Review status: criteria provided, single submitter. Criteria: CeGaT Center For Human Genetics Tuebingen Variant Classification Criteria Version 2. Collection method: clinical testing. Allele origin: germline. Affected: yes. Observed: 1 variant allele.
Comment: CHRNB2: BP4, BP7

Labcorp Genetics (formerly Invitae), Labcorp
Classification: Likely benign. Last evaluated: 2025-11-17. Review status: criteria provided, single submitter. Criteria: Invitae Variant Classification Sherloc (09022015). Collection method: clinical testing. Allele origin: germline.

Blueprint Genetics
Classification: Likely benign. Last evaluated: 2024-04-29. Review status: criteria provided, single submitter. Criteria: ACMG Guidelines, 2015. Collection method: clinical testing. Allele origin: germline.

GeneDx
Classification: Likely benign. Last evaluated: 2018-12-14. Review status: criteria provided, single submitter. Criteria: GeneDx Variant Classification Process June 2021. Collection method: clinical testing. Allele origin: germline. Affected: yes.

NM_000748.3(CHRNB2):c.123C>A (p.Arg41=)

Gene: CHRNB2 (cholinergic receptor nicotinic beta 2 subunit; plus strand). Cytogenetic location: 1q21.3.
Variant type: single nucleotide variant.
Coding change: c.123C>A on transcript NM_000748.3 (MANE Select); coding-DNA position 123, C replaced by A.
Protein change: p.Arg41=; no amino-acid change (arginine 41 retained).
Molecular consequence: synonymous variant.
Genome position (GRCh38, 1-based): chr1:154,569,520, C>A. VCF-style: chr1-154569520-C-A. GRCh37 (hg19) VCF-style: chr1-154541996-C-A.
Identifiers: ClinVar variation 1204132 (VCV001204132.16), dbSNP rs201171352, ClinGen allele CA1130631.